The following is an entry in ClinVar:

ClinVar aggregate classification (germline): Conflicting classifications of pathogenicity. Review status: criteria provided, conflicting classifications (1 of 4 stars). 12 submissions from 12 submitters: Uncertain significance (7); Likely benign (3). 2 of the submissions do not count toward it. Last evaluated 2026-01-10.

Conditions:
Hereditary nonpolyposis colorectal neoplasms. Identifiers: MedGen C0009405, MeSH D003123.
Hereditary cancer-predisposing syndrome. Also called: Tumor predisposition; Hereditary Cancer Syndrome; Hereditary neoplastic syndrome; Neoplastic Syndromes, Hereditary. Identifiers: Orphanet 140162, MedGen C0027672, MeSH D009386, MONDO:0015356.
Lynch syndrome. Identifiers: Orphanet 144, MedGen C4552100, MONDO:0005835. Disease mechanism: loss of function.
Lynch syndrome 5 (LYNCH5). Also called: Colorectal cancer, hereditary nonpolyposis, type 5; Hereditary non-polyposis colorectal cancer, type 5. Identifiers: Orphanet 144, MedGen C1833477, MONDO:0013710, OMIM 614350. Disease mechanism: loss of function.
Malignant tumor of breast. Also called: Malignant breast neoplasm; Cancer breast. Identifiers: MedGen C0006142, MONDO:0007254. Disease mechanism: loss of function.

Allele frequency attached by ClinVar (database versions not stated): ExAC 0.00005; TOPMed 0.00007; ESP Exome Variant Server 0.00008; gnomAD 0.00008 and 0.00010.
gnomAD v4.1: 31 of 1,613,898 alleles (0.0019%); highest among the groups gnomAD compares: African/African-American, 0.025%; no homozygotes.

Submissions (12):

Labcorp Genetics (formerly Invitae), Labcorp
Classification: Likely benign for Hereditary nonpolyposis colorectal neoplasms. Last evaluated: 2026-01-10. Review status: criteria provided, single submitter. Criteria: Invitae Variant Classification Sherloc (09022015). Collection method: clinical testing. Allele origin: germline.

GeneDx
Classification: Uncertain significance. Last evaluated: 2025-07-28. Review status: criteria provided, single submitter. Criteria: GeneDx Variant Classification Process June 2021. Collection method: clinical testing. Allele origin: germline. Affected: yes.
Comment: In silico analysis supports that this missense variant has a deleterious effect on protein structure/function; This variant is associated with the following publications: (PMID: 28944238, 32885271, 32832836, 17531815, 21120944, 33471991, 35449176)

Quest Diagnostics Nichols Institute San Juan Capistrano
Classification: Uncertain significance. Last evaluated: 2025-03-05. Review status: criteria provided, single submitter. Criteria: Quest Diagnostics criteria. Collection method: clinical testing. Allele origin: unknown.
Comment: The MSH6 c.2417C>G (p.Ser806Cys) variant has been reported in the published literature in individuals with breast cancer (PMID: 35449176 (2022), 32885271 (2021), 33471991 (2021), see also LOVD), colorectal cancer (PMID: 36230473 (2022), 28944238 (2017)), and reportedly healthy individuals (PMID: 33471991 (2021), see also LOVD). The frequency of this variant in the general population (Genome Aggregation Database) is higher than would generally be expected for pathogenic variants in this gene. Analysis of this variant using bioinformatics tools for the prediction of the effect of amino acid changes on protein structure and function yielded conflicting predictions that this variant is benign or damaging. Based on the available information, we are unable to determine the clinical significance of this variant.

Center for Genomic Medicine, Rigshospitalet, Copenhagen University Hospital
Classification: Uncertain significance. Last evaluated: 2025-03-04. Review status: criteria provided, single submitter. Criteria: ACMG Guidelines, 2015. Collection method: clinical testing. Allele origin: germline.

Myriad Genetics, Inc.
Classification: Likely benign for Lynch syndrome 5. Last evaluated: 2024-12-31. Review status: criteria provided, single submitter. Criteria: Myriad Autosomal Dominant, Autosomal Recessive and X-Linked Classification Criteria (2023). Collection method: clinical testing. Allele origin: unknown.
Comment: This variant is considered likely benign. This variant is strongly associated with less severe personal and family histories of cancer, typical for individuals without pathogenic variants in this gene [PMID: 27363726].

All of Us Research Program, National Institutes of Health
Classification: Uncertain significance for Lynch syndrome. Last evaluated: 2024-09-23. Review status: criteria provided, single submitter. Criteria: ACMG Guidelines, 2015. Collection method: clinical testing. Allele origin: germline. Inheritance: Autosomal dominant inheritance. Observed: 10 variant alleles, 10 heterozygotes.
Comment: This missense variant replaces serine with cysteine at codon 806 of the MSH6 protein. Computational prediction suggests that this variant may not impact protein structure and function (internally defined REVEL score threshold <= 0.5, PMID: 27666373). To our knowledge, functional studies have not been reported for this variant. This variant has been reported in individuals affected with colorectal cancer (PMID: 28944238) and hereditary breast cancer (PMID: 32885271). In a large breast cancer case-control study, this variant has been observed in 7/60466 cases and 3/53461 unaffected controls (PMID: 33471991). This variant has been identified in 13/281900 chromosomes in the general population by the Genome Aggregation Database (gnomAD). The available evidence is insufficient to determine the role of this variant in disease conclusively. Therefore, this variant is classified as a Variant of Uncertain Significance.

This study involves interpretation of variants in research participants for the purpose of population health screening. Participant phenotype was not available at the time of variant classification. Additional details can be found in publication PMID: 35346344, PMCID: PMC8962531

Color Diagnostics, LLC DBA Color Health
Classification: Uncertain significance for Hereditary cancer-predisposing syndrome. Last evaluated: 2024-01-31. Review status: criteria provided, single submitter. Criteria: ACMG Guidelines, 2015. Collection method: clinical testing. Allele origin: germline.
Comment: This missense variant replaces serine with cysteine at codon 806 of the MSH6 protein. Computational prediction suggests that this variant may not impact protein structure and function (internally defined REVEL score threshold <= 0.5, PMID: 27666373). To our knowledge, functional studies have not been reported for this variant. This variant has been reported in individuals affected with colorectal cancer (PMID: 28944238) and hereditary breast cancer (PMID: 32885271). In a large breast cancer case-control study, this variant has been observed in 7/60466 cases and 3/53461 unaffected controls (PMID: 33471991). This variant has been identified in 13/281900 chromosomes in the general population by the Genome Aggregation Database (gnomAD). The available evidence is insufficient to determine the role of this variant in disease conclusively. Therefore, this variant is classified as a Variant of Uncertain Significance.

Ambry Genetics
Classification: Likely benign for Hereditary cancer-predisposing syndrome. Last evaluated: 2022-04-19. Review status: criteria provided, single submitter. Criteria: Ambry Variant Classification Scheme 2023. Collection method: clinical testing. Allele origin: germline.

Sema4
Classification: Uncertain significance for Hereditary cancer-predisposing syndrome. Last evaluated: 2021-10-19. Review status: criteria provided, single submitter. Criteria: Sema4 Curation Guidelines. Collection method: curation. Allele origin: germline.
Comment: The MSH6 c.2417C>G (p.S806C) variant has been reported in individuals with breast cancer and colorectal cancer (PMID: 28944238, 32885271). This variant has also been reported in 7/60466 breast cancer cases and 3/53461 healthy controls by a large case-control study (PMID: 33471991) It was observed in 10/24954 chromosomes of the African/African American subpopulation, with no homozygotes, according to the large and broad cohorts of the Genome Aggregation Database (PMID: 32461654), and has been reported in ClinVar (Variation ID 182661). Functional studies have not been performed, and in silico predictions of the variant's effect on protein function are inconclusive. The evidence is insufficient to meet ACMG/AMP criteria for classifying the variant as benign or pathogenic. Thus, the clinical significance of this variant is currently uncertain.

Women's Health and Genetics/Laboratory Corporation of America, LabCorp
Classification: Uncertain significance. Last evaluated: 2021-08-06. Review status: criteria provided, single submitter. Criteria: LabCorp Variant Classification Summary - May 2015. Collection method: clinical testing. Allele origin: germline.
Comment: Variant summary: MSH6 c.2417C>G (p.Ser806Cys) results in a non-conservative amino acid change in the encoded protein sequence. Five of five in-silico tools predict a damaging effect of the variant on protein function. The variant allele was found at a frequency of 4.8e-05 in 250498 control chromosomes. This frequency is not significantly higher than expected for a pathogenic variant in MSH6 causing Lynch Syndrome (4.8e-05 vs 0.00014), allowing no conclusion about variant significance. To our knowledge, no occurrence of c.2417C>G in individuals affected with Lynch Syndrome and no experimental evidence demonstrating its impact on protein function have been reported. Six clinical diagnostic laboratories have submitted clinical-significance assessments for this variant to ClinVar after 2014 without evidence for independent evaluation. All laboratories classified the variant as uncertain significance. Based on the evidence outlined above, the variant was classified as uncertain significance.

Counsyl
Classification: Uncertain significance for Lynch syndrome 5. Last evaluated: 2015-12-16. Review status: no assertion criteria provided. Collection method: clinical testing. Allele origin: unknown. Not counted in ClinVar's aggregate classification.

Department of Pathology and Laboratory Medicine, Sinai Health System
Classification: Uncertain significance for Malignant tumor of breast. Review status: no assertion criteria provided. Collection method: clinical testing. Allele origin: unknown. Affected: yes. Study: The Canadian Open Genetics Repository (COGR). Not counted in ClinVar's aggregate classification.
Comment: MSH6, EXON4, c.2417C>G, p.Ser806Cys, Heterozygous, Uncertain SignificancernThe MSH6 p.Ser806Cys variant was not identified in the literature nor was it identified in the UMD-LSDB. The variant was identified in dbSNP (ID: rs372990379) as "With Uncertain Significance allele" and in ClinVar (5x as Uncertain Significance by GeneDx, Invitae, and 3 additional clinical laboratories). The variant was identified in control databases in 14 of 276194 chromosomes at a frequency of 0.00005 (Genome Aggregation Database Feb 27, 2017). The variant was observed in the following populations: African in 11 of 24016 chromosomes (freq: 0.0005), Other in 1 of 6452 chromosomes (freq: 0.0002), and South Asian in 2 of 30778 chromosomes (freq: 0.00007), but not in the Latino, European Non-Finnish, Ashkenazi Jewish, East Asian or Finnish populations. The p.Ser806 residue is not conserved in mammals and computational analyses (PolyPhen-2, SIFT, AlignGVGD, BLOSUM, MutationTaster) provide inconsistent predictions regarding the impact to the protein; this information is not very predictive of pathogenicity. The variant occurs outside of the splicing consensus sequence and in silico or computational prediction software programs (SpliceSiteFinder, MaxEntScan, NNSPLICE, GeneSplicer) do not predict a difference in splicing. In summary, based on the above information the clinical significance of this variant cannot be determined with certainty at this time. This variant is classified as a variant of uncertain significance.

Literature cited by the submitters: PubMed 33471991 (cited by 4 submitters); PubMed 35449176 (cited by Quest Diagnostics Nichols Institute San Juan Capistrano); PubMed 32885271 (cited by 5 submitters); PubMed 28944238 (cited by 4 submitters); PubMed 36230473 (cited by Quest Diagnostics Nichols Institute San Juan Capistrano); PubMed 27363726 (cited by Myriad Genetics, Inc.); PubMed 32832836 (cited by Ambry Genetics).

NM_000179.3(MSH6):c.2417C>G (p.Ser806Cys)

Gene: MSH6 (mutS homolog 6; plus strand). Cytogenetic location: 2p16.3.
Variant type: single nucleotide variant.
Coding change: c.2417C>G on transcript NM_000179.3 (MANE Select); coding-DNA position 2417, C replaced by G.
Protein change: p.Ser806Cys; replaces serine 806 with cysteine.
Molecular consequence: missense variant.
Genome position (GRCh38, 1-based): chr2:47,800,400, C>G. VCF-style: chr2-47800400-C-G. GRCh37 (hg19) VCF-style: chr2-48027539-C-G.
Other names: p.S806C:TCC>TGC; c.2027C>G, p.Ser676Cys (NM_001281492.2); c.1511C>G, p.Ser504Cys (NM_001281493.2, NM_001281494.2); short protein forms S806C, S504C, S676C.
Identifiers: ClinVar variation 182661 (VCV000182661.47), dbSNP rs372990379, ClinGen allele CA010210.